The following is an entry in ClinVar:

ClinVar aggregate classification (germline): Uncertain significance (1 of 4 stars; one submission).

Allele frequency attached by ClinVar (database versions not stated): TOPMed 0.00001; gnomAD 0.00002; gnomAD exomes 0.00003; ExAC 0.00010; 1000 Genomes Project 30x 0.00016; 1000 Genomes Project 0.00020.
gnomAD v4.1: 53 of 1,614,182 alleles (0.0033%); highest among the groups gnomAD compares: Non-Finnish European, 0.004%; no homozygotes.

Submission:

Labcorp Genetics (formerly Invitae), Labcorp
Classification: Uncertain significance. Last evaluated: 2026-01-06. Review status: criteria provided, single submitter. Criteria: Invitae Variant Classification Sherloc (09022015). Collection method: clinical testing. Allele origin: germline.
Comment: This sequence change replaces aspartic acid, which is acidic and polar, with glycine, which is neutral and non-polar, at codon 563 of the C1S protein (p.Asp563Gly). This variant is present in population databases (rs201608195, gnomAD 0.01%). This variant has not been reported in the literature in individuals affected with C1S-related conditions. ClinVar contains an entry for this variant (Variation ID: 1986870). Invitae Evidence Modeling of protein sequence and biophysical properties (such as structural, functional, and spatial information, amino acid conservation, physicochemical variation, residue mobility, and thermodynamic stability) indicates that this missense variant is not expected to disrupt C1S protein function with a negative predictive value of 80%. In summary, the available evidence is currently insufficient to determine the role of this variant in disease. Therefore, it has been classified as a Variant of Uncertain Significance.

NM_001734.5(C1S):c.1688A>G (p.Asp563Gly)

Gene: C1S (complement C1s; plus strand). Cytogenetic location: 12p13.31.
Variant type: single nucleotide variant.
Coding change: c.1688A>G on transcript NM_001734.5 (MANE Select); coding-DNA position 1688, A replaced by G.
Protein change: p.Asp563Gly; replaces aspartic acid 563 with glycine.
Molecular consequence: missense variant.
Genome position (GRCh38, 1-based): chr12:7,070,272, A>G. VCF-style: chr12-7070272-A-G. GRCh37 (hg19) VCF-style: chr12-7177576-A-G.
Other names: c.1187A>G, p.Asp396Gly (NM_001346850.2); c.1688A>G, p.Asp563Gly (NM_201442.4); short protein forms D396G, D563G.
Identifiers: ClinVar variation 1986870 (VCV001986870.4), dbSNP rs201608195, ClinGen allele CA6423828.